The following is an entry in ClinVar:

ClinVar aggregate classification (germline): Benign. Review status: criteria provided, multiple submitters, no conflicts (2 of 4 stars). 3 submissions from 3 submitters: Benign (3). Last evaluated 2026-01-31.

Conditions:
Autosomal recessive congenital ichthyosis 5 (ARCI5). Also called: ICHTHYOSIS CONGENITA III; Ichthyosis, nonlamellar and nonerythrodermic, congenital, autosomal recessive. Identifiers: Orphanet 313, MedGen C1858133, MONDO:0011485, OMIM 604777.

Allele frequency attached by ClinVar (database versions not stated): gnomAD exomes 0.00090 and 0.00256; ExAC 0.00312; gnomAD 0.01035; TOPMed 0.01111; ESP Exome Variant Server 0.01230; 1000 Genomes Project 0.01258; 1000 Genomes Project 30x 0.01421.
gnomAD v4.1: 2,822 of 1,614,014 alleles (0.17%); highest among the groups gnomAD compares: African/African-American, 3.4%; 43 homozygotes.

Submissions (6):

Labcorp Genetics (formerly Invitae), Labcorp
Classification: Benign. Last evaluated: 2026-01-31. Review status: criteria provided, single submitter. Criteria: Invitae Variant Classification Sherloc (09022015). Collection method: clinical testing. Allele origin: germline.

Illumina Laboratory Services, Illumina
Classification: Benign for Autosomal recessive congenital ichthyosis 5. Last evaluated: 2018-01-13. Review status: criteria provided, single submitter. Criteria: ICSL Variant Classification Criteria 13 December 2019. Collection method: clinical testing. Allele origin: germline.
Comment: This variant was observed in the ICSL laboratory as part of a predisposition screen in an ostensibly healthy population. It had not been previously curated by ICSL or reported in the Human Gene Mutation Database (HGMD: prior to June 1st, 2018), and was therefore a candidate for classification through an automated scoring system. Utilizing variant allele frequency, disease prevalence and penetrance estimates, and inheritance mode, an automated score was calculated to assess if this variant is too frequent to cause the disease. Based on the score and internal cut-off values, a variant classified as benign is not then subjected to further curation. The score for this variant resulted in a classification of benign for this disease.

Breakthrough Genomics
Classification: Benign. Review status: criteria provided, single submitter. Criteria: ACMG Guidelines, 2015. Collection method: not provided. Allele origin: germline. Inheritance: Autosomal recessive inheritance. Affected: yes.

Dr. Peter K. Rogan Lab, Western University
No classification provided (evidence only). Condition: Clear cell carcinoma of kidney. Review status: no classification provided. Collection method: in vitro. Allele origin: not applicable. Functional consequence: retained intron. Not counted in ClinVar's aggregate classification.

Dr. Peter K. Rogan Lab, Western University
No classification provided (evidence only). Condition: Sarcoma. Review status: no classification provided. Collection method: in vitro. Allele origin: not applicable. Functional consequence: retained intron. Not counted in ClinVar's aggregate classification.

Dr. Peter K. Rogan Lab, Western University
No classification provided (evidence only). Condition: Thymoma. Review status: no classification provided. Collection method: in vitro. Allele origin: not applicable. Functional consequence: retained intron. Not counted in ClinVar's aggregate classification.

NM_173483.4(CYP4F22):c.368-9C>G

Gene: CYP4F22 (cytochrome P450 family 4 subfamily F member 22; plus strand). Cytogenetic location: 19p13.12.
Variant type: single nucleotide variant.
Coding change: c.368-9C>G on transcript NM_173483.4 (MANE Select); 9 bases into the intron before coding-DNA position 368, C replaced by G.
Molecular consequence: intron variant.
Genome position (GRCh38, 1-based): chr19:15,537,352, C>G. VCF-style: chr19-15537352-C-G. GRCh37 (hg19) VCF-style: chr19-15648163-C-G.
Identifiers: ClinVar variation 328427 (VCV000328427.14), dbSNP rs76015551, ClinGen allele CA9269545.
Genomic context (GRCh38, chr19:15,537,352, plus strand): 5'-CTCCGTAAAAAAAAACAAAAAACCAAAAAACTCTGTTTTGAGTCACCATTTTCCCTTTGC[C>G]CTCCACAGCTGCCATCGCCCCCAAGGATGACCTCTTCTATGGCTTCCTAAAACCTTGGCT-3'